The following is an entry in ClinVar:

ClinVar aggregate classification (germline): Uncertain significance (1 of 4 stars; one submission).

Conditions:
Aortic valve disease 2 (AOVD2). Identifiers: MedGen C3542024, MONDO:0013902, OMIM 614823.

gnomAD v4.1: 15 of 1,607,780 alleles (0.00093%); highest among the groups gnomAD compares: East Asian, 0.0022%; no homozygotes.

Submission:

Labcorp Genetics (formerly Invitae), Labcorp
Classification: Uncertain significance for Aortic valve disease 2. Last evaluated: 2024-11-28. Review status: criteria provided, single submitter. Criteria: Invitae Variant Classification Sherloc (09022015). Collection method: clinical testing. Allele origin: germline.
Comment: This sequence change replaces glutamic acid, which is acidic and polar, with lysine, which is basic and polar, at codon 407 of the SMAD6 protein (p.Glu407Lys). The frequency data for this variant in the population databases is considered unreliable, as metrics indicate poor data quality at this position in the gnomAD database. This variant has not been reported in the literature in individuals affected with SMAD6-related conditions. Invitae Evidence Modeling of protein sequence and biophysical properties (such as structural, functional, and spatial information, amino acid conservation, physicochemical variation, residue mobility, and thermodynamic stability) indicates that this missense variant is not expected to disrupt SMAD6 protein function with a negative predictive value of 80%. In summary, the available evidence is currently insufficient to determine the role of this variant in disease. Therefore, it has been classified as a Variant of Uncertain Significance.

NM_005585.5(SMAD6):c.1219G>A (p.Glu407Lys)

Gene: SMAD6 (SMAD family member 6; plus strand). Cytogenetic location: 15q22.31.
Variant type: single nucleotide variant.
Coding change: c.1219G>A on transcript NM_005585.5 (MANE Select); coding-DNA position 1219, G replaced by A.
Protein change: p.Glu407Lys; replaces glutamic acid 407 with lysine.
Molecular consequence: missense variant. On other transcripts: non-coding transcript variant (1).
Genome position (GRCh38, 1-based): chr15:66,781,263, G>A. VCF-style: chr15-66781263-G-A. GRCh37 (hg19) VCF-style: chr15-67073601-G-A.
Other names: short protein forms E407K.
Identifiers: ClinVar variation 3667594 (VCV003667594.2).